The following is an entry in ClinVar:

NM_000124.4(ERCC6):c.2776G>C (p.Ala926Pro)

Genes: ERCC6 (ERCC excision repair 6, chromatin remodeling factor; minus strand), LOC126860933 (BRD4-independent group 4 enhancer GRCh37_chr10:50679962-50681161; plus strand). Cytogenetic location: 10q11.23.
Variant type: single nucleotide variant.
Coding change: c.2776G>C on transcript NM_000124.4 (MANE Select); coding-DNA position 2776, G replaced by C.
Protein change: p.Ala926Pro; replaces alanine 926 with proline.
Molecular consequence: missense variant.
Genome position (GRCh38, 1-based): chr10:49,472,962, C>G on the plus strand (G>C on the coding strand, the complement: ERCC6 is on the minus strand). VCF-style: chr10-49472962-C-G. GRCh37 (hg19) VCF-style: chr10-50681008-C-G.
Other names: c.2776G>C (NM_000124.2); c.2776G>C, p.Ala926Pro (NM_001346440.2); short protein forms A926P.
Identifiers: ClinVar variation 879154 (VCV000879154.5), dbSNP rs765252538, ClinGen allele CA5495536.
Genomic context (GRCh38, chr10:49,472,962, plus strand): 5'-AACAAACCTGCGTGTCCGTGCTTGGGTTCCAGTCTGGGTCATAGATGACAACTCTGTTTG[C>G]CCCCGTCAGGTTGACACCTAAGCCGCCCACCCGCGTGGTCAGAAGAAACACAAATATGGA-3'
Protein context (NP_000115.1, residues 916-936): VGGLGVNLTG[Ala926Pro]NRVVIYDPDW

ClinVar aggregate classification (germline): Uncertain significance. Review status: criteria provided, multiple submitters, no conflicts (2 of 4 stars). 4 submissions from 2 submitters: Uncertain significance (4). Last evaluated 2025-07-14.

Conditions:
Age related macular degeneration 5. Identifiers: MedGen C3151063, MONDO:0013409, OMIM 613761.
Cerebrooculofacioskeletal syndrome 1 (COFS1). Also called: Cerebro-oculo-facio-skeletal syndrome 1. Identifiers: MedGen C0220722, MONDO:0008955, OMIM 214150.
Cockayne syndrome type 2 (CSB). Also called: COCKAYNE SYNDROME B; Cockayne Syndrome, Type II. Identifiers: Orphanet 191, Orphanet 90322, MedGen C0751038, MONDO:0019570, OMIM 133540.

Allele frequency attached by ClinVar (database versions not stated): gnomAD 0.00001 and 0.00002.
gnomAD v4.1: 42 of 1,613,978 alleles (0.0026%); highest among the groups gnomAD compares: Non-Finnish European, 0.0034%; no homozygotes.

Submissions (4):

GeneDx
Classification: Uncertain significance. Last evaluated: 2025-07-14. Review status: criteria provided, single submitter. Criteria: GeneDx Variant Classification Process June 2021. Collection method: clinical testing. Allele origin: germline. Affected: yes.
Comment: In silico analysis supports that this missense variant has a deleterious effect on protein structure/function; This variant is associated with the following publications: (PMID: 29572252)

Illumina Laboratory Services, Illumina
Classification: Uncertain significance for Cerebrooculofacioskeletal syndrome 1. Last evaluated: 2018-01-12. Review status: criteria provided, single submitter. Criteria: ICSL Variant Classification Criteria 13 December 2019. Collection method: clinical testing. Allele origin: germline.

Illumina Laboratory Services, Illumina
Classification: Uncertain significance for Cockayne syndrome type 2. Last evaluated: 2018-01-12. Review status: criteria provided, single submitter. Criteria: ICSL Variant Classification Criteria 13 December 2019. Collection method: clinical testing. Allele origin: germline.

Illumina Laboratory Services, Illumina
Classification: Uncertain significance for Age related macular degeneration 5. Last evaluated: 2018-01-12. Review status: criteria provided, single submitter. Criteria: ICSL Variant Classification Criteria 13 December 2019. Collection method: clinical testing. Allele origin: germline.